The following is an entry in ClinVar:

NM_172107.4(KCNQ2):c.1631G>A (p.Cys544Tyr)

Gene: KCNQ2 (potassium voltage-gated channel subfamily Q member 2; minus strand). Cytogenetic location: 20q13.33.
Variant type: single nucleotide variant.
Coding change: c.1631G>A on transcript NM_172107.4 (MANE Select); coding-DNA position 1631, G replaced by A.
Protein change: p.Cys544Tyr; replaces cysteine 544 with tyrosine.
Molecular consequence: missense variant.
Genome position (GRCh38, 1-based): chr20:63,414,088, C>T on the plus strand (G>A on the coding strand, the complement: KCNQ2 is on the minus strand). VCF-style: chr20-63414088-C-T. GRCh37 (hg19) VCF-style: chr20-62045441-C-T.
Other names: c.1547G>A, p.Cys516Tyr (NM_004518.6); c.1577G>A, p.Cys526Tyr (NM_172106.3); c.1538G>A, p.Cys513Tyr (NM_172108.5); short protein forms C544Y, C513Y, C526Y, C516Y.
Identifiers: ClinVar variation 373576 (VCV000373576.3), dbSNP rs1057518492, ClinGen allele CA16043222.

ClinVar aggregate classification (germline): Conflicting classifications of pathogenicity. Review status: criteria provided, conflicting classifications (1 of 4 stars). 2 submissions from 2 submitters: Likely pathogenic (1); Uncertain significance (1). Last evaluated 2024-11-21.

Conditions:
Early-infantile DEE. Also called: Ohtahara syndrome; Early infantile epileptic encephalopathy with suppression bursts; Early infantile epileptic encephalopathy. Identifiers: Orphanet 1934, MedGen C0393706, MONDO:0800491.

Submissions (2):

Labcorp Genetics (formerly Invitae), Labcorp
Classification: Uncertain significance for Early-infantile DEE. Last evaluated: 2024-11-21. Review status: criteria provided, single submitter. Criteria: Invitae Variant Classification Sherloc (09022015). Collection method: clinical testing. Allele origin: germline.
Comment: This sequence change replaces cysteine, which is neutral and slightly polar, with tyrosine, which is neutral and polar, at codon 544 of the KCNQ2 protein (p.Cys544Tyr). This variant also falls at the last nucleotide of exon 14, which is part of the consensus splice site for this exon. This variant is not present in population databases (gnomAD no frequency). This variant has not been reported in the literature in individuals affected with KCNQ2-related conditions. ClinVar contains an entry for this variant (Variation ID: 373576). An algorithm developed to predict the effect of missense changes on protein structure and function (PolyPhen-2) suggests that this variant is likely to be disruptive. Variants that disrupt the consensus splice site are a relatively common cause of aberrant splicing (PMID: 17576681, 9536098). Algorithms developed to predict the effect of sequence changes on RNA splicing suggest that this variant may disrupt the consensus splice site. In summary, the available evidence is currently insufficient to determine the role of this variant in disease. Therefore, it has been classified as a Variant of Uncertain Significance.

GeneDx
Classification: Likely pathogenic. Last evaluated: 2016-11-28. Review status: criteria provided, single submitter. Criteria: GeneDx Variant Classification (06012015). Collection method: clinical testing. Allele origin: germline. Affected: yes.
Comment: The c.1631 G>A variant has not been published as a pathogenic variant, nor has it been reported as a benign variant to our knowledge. It was not observed in approximately 6,500 individuals of European and African American ancestry in the NHLBI Exome Sequencing Project, indicating it is not a common benign variant in these populations. Several in-silico splice prediction models predict that c.1631 G>A damages or destroys the donor site of intron 14 and leads to abnormal gene splicing. However, in the absence of RNA/functional studies, the actual effect of this sequence change in this individual is unknown. If this variant does not affected splicing, it will result in a C544Y missense substitution. The C544Y variant is a non-conservative amino acid substitution, which is likely to impact secondary protein structure as these residues differ in polarity, charge, size and/or other properties. In silico analysis predicts this variant is probably damaging to the protein structure/function. However, this substitution occurs at a position that is not conserved. Therefore, this variant is likely pathogenic; however, the possibility that it is benign cannot be excluded.

Literature cited by the submitters: PubMed 17576681 (cited by Labcorp Genetics (formerly Invitae), Labcorp); PubMed 9536098 (cited by Labcorp Genetics (formerly Invitae), Labcorp).